The following is an entry in ClinVar:

NM_001430.5(EPAS1):c.2055G>C (p.Lys685Asn)

Gene: EPAS1 (endothelial PAS domain protein 1; plus strand). Cytogenetic location: 2p21.
Variant type: single nucleotide variant.
Coding change: c.2055G>C on transcript NM_001430.5 (MANE Select); coding-DNA position 2055, G replaced by C.
Protein change: p.Lys685Asn; replaces lysine 685 with asparagine.
Molecular consequence: missense variant.
Genome position (GRCh38, 1-based): chr2:46,381,605, G>C. VCF-style: chr2-46381605-G-C. GRCh37 (hg19) VCF-style: chr2-46608744-G-C.
Other names: short protein forms K685N.
Identifiers: ClinVar variation 3275703 (VCV003275703.1).

ClinVar aggregate classification (germline): Uncertain significance (1 of 4 stars; one submission).

Conditions:
Inborn genetic diseases. Identifiers: MedGen C0950123, MeSH D030342.

gnomAD v4.1: 1 of 1,614,032 alleles (0.000062%); highest among the groups gnomAD compares: Non-Finnish European, 0.000085%; no homozygotes.

Submission:

Ambry Genetics
Classification: Uncertain significance for Inborn genetic diseases. Last evaluated: 2024-04-20. Review status: criteria provided, single submitter. Criteria: Ambry Variant Classification Scheme 2023. Collection method: clinical testing. Allele origin: germline.
Comment: The p.K685N variant (also known as c.2055G>C), located in coding exon 13 of the EPAS1 gene, results from a G to C substitution at nucleotide position 2055. The lysine at codon 685 is replaced by asparagine, an amino acid with similar properties. This amino acid position is conserved. In addition, this alteration is predicted to be tolerated by in silico analysis. Based on the available evidence, the clinical significance of this variant remains unclear.